The following is an entry in ClinVar:

NM_032229.3(SLITRK6):c.2045T>G (p.Met682Arg)

Gene: SLITRK6 (SLIT and NTRK like family member 6; minus strand). Cytogenetic location: 13q31.1.
Variant type: single nucleotide variant.
Coding change: c.2045T>G on transcript NM_032229.3 (MANE Select); coding-DNA position 2045, T replaced by G.
Protein change: p.Met682Arg; replaces methionine 682 with arginine.
Molecular consequence: missense variant.
Genome position (GRCh38, 1-based): chr13:85,794,464, A>C on the plus strand (T>G on the coding strand, the complement: SLITRK6 is on the minus strand). VCF-style: chr13-85794464-A-C. GRCh37 (hg19) VCF-style: chr13-86368599-A-C.
Other names: short protein forms M682R.
Identifiers: ClinVar variation 4977895 (VCV004977895.1).

ClinVar aggregate classification (germline): Uncertain significance (1 of 4 stars; one submission).

Conditions:
SLITRK6-related disorder. Also called: SLITRK6-related condition.

gnomAD v4.1: 4 of 1,613,322 alleles (0.00025%); highest among the groups gnomAD compares: South Asian, 0.0011%; no homozygotes.

Submission:

PreventionGenetics, part of Exact Sciences
Classification: Uncertain significance for SLITRK6-related condition. Last evaluated: 2026-04-28. Review status: criteria provided, single submitter. Criteria: ACMG Guidelines, 2015. Collection method: clinical testing. Allele origin: germline.
Comment: The SLITRK6 c.2045T>G variant is predicted to result in the amino acid substitution p.Met682Arg. To our knowledge, this variant has not been reported in the literature. This variant is reported in 0.00089% of alleles in individuals of European (Non-Finnish) descent in gnomAD. At this time, the clinical significance of this variant is uncertain due to the absence of conclusive functional and genetic evidence.